The following is an entry in ClinVar:

NM_001134831.2(AHI1):c.136-1G>A

Gene: AHI1 (Abelson helper integration site 1; minus strand). Cytogenetic location: 6q23.3.
Variant type: single nucleotide variant.
Coding change: c.136-1G>A on transcript NM_001134831.2 (MANE Select); the canonical splice acceptor site of the intron before coding-DNA position 136, G replaced by A.
Molecular consequence: splice acceptor variant.
Genome position (GRCh38, 1-based): chr6:135,467,635, C>T on the plus strand (G>A on the coding strand, the complement: AHI1 is on the minus strand). VCF-style: chr6-135467635-C-T. GRCh37 (hg19) VCF-style: chr6-135788773-C-T.
Other names: c.136-1G>A (NM_001134830.2, NM_001350503.2, NM_017651.5 and 2 more transcripts).
Identifiers: ClinVar variation 1499593 (VCV001499593.8), dbSNP rs2128100946, ClinGen allele CA365753773.
Genomic context (GRCh38, chr6:135,467,635, plus strand): 5'-ACTTACATCATCACTTGTAGTTTCTTTCATATAGTGAAGATTGCTTCTAATAGTGTCAGG[C>T]TAAAAAGGAAGACATAATAAAGTTTCAGCTAAGCGTAGATTAGTTGTATCAAGAAAAACC-3'

ClinVar aggregate classification (germline): Likely pathogenic (1 of 4 stars; one submission).

Conditions:
Joubert syndrome. Also called: CEREBELLOPARENCHYMAL DISORDER IV; JOUBERT-BOLTSHAUSER SYNDROME; Familial aplasia of the vermis. Identifiers: Orphanet 475, MedGen C5979921, MONDO:0018772.

Submission:

Labcorp Genetics (formerly Invitae), Labcorp
Classification: Likely pathogenic for Joubert syndrome. Last evaluated: 2021-12-24. Review status: criteria provided, single submitter. Criteria: Invitae Variant Classification Sherloc (09022015). Collection method: clinical testing. Allele origin: germline.
Comment: This sequence change affects an acceptor splice site in intron 4 of the AHI1 gene. It is expected to disrupt RNA splicing. Variants that disrupt the donor or acceptor splice site typically lead to a loss of protein function (PMID: 16199547), and loss-of-function variants in AHI1 are known to be pathogenic (PMID: 15322546, 16453322, 28442542, 29186038). This variant is not present in population databases (gnomAD no frequency). This variant has not been reported in the literature in individuals affected with AHI1-related conditions. Algorithms developed to predict the effect of sequence changes on RNA splicing suggest that this variant may disrupt the consensus splice site. In summary, the currently available evidence indicates that the variant is pathogenic, but additional data are needed to prove that conclusively. Therefore, this variant has been classified as Likely Pathogenic.

Literature cited by the submitters: PubMed 16199547; PubMed 15322546; PubMed 16453322; PubMed 28442542; PubMed 29186038.